The following is an entry in ClinVar:

ClinVar aggregate classification (germline): Uncertain significance (1 of 4 stars; one submission).

gnomAD v4.1: 4 of 1,614,106 alleles (0.00025%); highest among the groups gnomAD compares: East Asian, 0.0022%; no homozygotes.

Submission:

Labcorp Genetics (formerly Invitae), Labcorp
Classification: Uncertain significance. Last evaluated: 2024-11-11. Review status: criteria provided, single submitter. Criteria: Invitae Variant Classification Sherloc (09022015). Collection method: clinical testing. Allele origin: germline.
Comment: This sequence change replaces glutamic acid, which is acidic and polar, with lysine, which is basic and polar, at codon 669 of the RFWD3 protein (p.Glu669Lys). This variant is not present in population databases (gnomAD no frequency). This variant has not been reported in the literature in individuals affected with RFWD3-related conditions. An algorithm developed to predict the effect of missense changes on protein structure and function (PolyPhen-2) suggests that this variant is likely to be disruptive. In summary, the available evidence is currently insufficient to determine the role of this variant in disease. Therefore, it has been classified as a Variant of Uncertain Significance.

NM_018124.4(RFWD3):c.2005G>A (p.Glu669Lys)

Gene: RFWD3 (ring finger and WD repeat domain 3; minus strand). Cytogenetic location: 16q23.1.
Variant type: single nucleotide variant.
Coding change: c.2005G>A on transcript NM_018124.4 (MANE Select); coding-DNA position 2005, G replaced by A.
Protein change: p.Glu669Lys; replaces glutamic acid 669 with lysine.
Molecular consequence: missense variant.
Genome position (GRCh38, 1-based): chr16:74,626,519, C>T on the plus strand (G>A on the coding strand, the complement: RFWD3 is on the minus strand). VCF-style: chr16-74626519-C-T. GRCh37 (hg19) VCF-style: chr16-74660417-C-T.
Other names: c.1171G>A, p.Glu391Lys (NM_001370542.1, NM_001370543.1, NM_001370537.1 and 2 more transcripts); c.2005G>A, p.Glu669Lys (NM_001370534.1, NM_001370535.1); c.1828G>A, p.Glu610Lys (NM_001370536.1); short protein forms E391K, E610K, E669K.
Identifiers: ClinVar variation 3691007 (VCV003691007.2).